The following is an entry in ClinVar:

NM_001946.4(DUSP6):c.229T>A (p.Phe77Ile)

Genes: DUSP6 (dual specificity phosphatase 6; minus strand), POC1B-DUSP6 (POC1B-DUSP6 readthrough; minus strand). Cytogenetic location: 12q21.33.
Variant type: single nucleotide variant.
Coding change: c.229T>A on transcript NM_001946.4 (MANE Select); coding-DNA position 229, T replaced by A.
Protein change: p.Phe77Ile; replaces phenylalanine 77 with isoleucine.
Molecular consequence: missense variant.
Genome position (GRCh38, 1-based): chr12:89,351,811, A>T on the plus strand (T>A on the coding strand, the complement: DUSP6 is on the minus strand). VCF-style: chr12-89351811-A-T. GRCh37 (hg19) VCF-style: chr12-89745588-A-T.
Other names: c.229T>A, p.Phe77Ile (NM_022652.4); short protein forms F77I.
Identifiers: ClinVar variation 50857 (VCV000050857.6), dbSNP rs587776978, ClinGen allele CA143809.
Genomic context (GRCh38, chr12:89,351,811, plus strand): 5'-GCACCACTGTGTCGGTGCCACAGCGCCGGGTGAAGCGGTCCCGGTCCTCGCCGCGCGTGA[A>T]GAGCGCGCGCACCGGCAGGTTACCCTTCTGCAGGCGCCGCAGCATGATGCCCGGGATGGC-3'
Protein context (NP_001937.2, residues 67-87): QKGNLPVRAL[Phe77Ile]TRGEDRDRFT

ClinVar aggregate classification (germline): Uncertain significance. Review status: criteria provided, multiple submitters, no conflicts (2 of 4 stars). 3 submissions from 3 submitters: Uncertain significance (2). 1 of the submissions does not count toward it. Last evaluated 2024-03-02.

Conditions:
Hypogonadotropic hypogonadism 19 with or without anosmia (HH19). Also called: HYPOGONADOTROPIC HYPOGONADISM 19 WITH ANOSMIA; HYPOGONADOTROPIC HYPOGONADISM 19 WITH ANOSMIA, SUSCEPTIBILITY TO; HYPOGONADOTROPIC HYPOGONADISM 19 WITHOUT ANOSMIA. Identifiers: Orphanet 478, MedGen C3808981, MONDO:0014105, OMIM 615269.

Submissions (3):

Labcorp Genetics (formerly Invitae), Labcorp
Classification: Uncertain significance. Last evaluated: 2024-03-02. Review status: criteria provided, single submitter. Criteria: Invitae Variant Classification Sherloc (09022015). Collection method: clinical testing. Allele origin: germline.
Comment: This sequence change replaces phenylalanine, which is neutral and non-polar, with isoleucine, which is neutral and non-polar, at codon 77 of the DUSP6 protein (p.Phe77Ile). This variant is not present in population databases (gnomAD no frequency). This missense change has been observed in individual(s) with hypogonadotropic hypogonadism (PMID: 23643382). ClinVar contains an entry for this variant (Variation ID: 50857). Advanced modeling of protein sequence and biophysical properties (such as structural, functional, and spatial information, amino acid conservation, physicochemical variation, residue mobility, and thermodynamic stability) performed at Invitae indicates that this missense variant is not expected to disrupt DUSP6 protein function with a negative predictive value of 80%. In summary, the available evidence is currently insufficient to determine the role of this variant in disease. Therefore, it has been classified as a Variant of Uncertain Significance.

Centre for Mendelian Genomics, University Medical Centre Ljubljana
Classification: Uncertain significance for Hypogonadotropic hypogonadism 19 with or without anosmia. Last evaluated: 2020-03-18. Review status: criteria provided, single submitter. Criteria: ACMG Guidelines, 2015. Collection method: clinical testing. Allele origin: unknown. Affected: yes.
Comment: This variant was classified as: Uncertain significance. The available evidence on this variant's pathogenicity is insufficient or conflicting. The following ACMG criteria were applied in classifying this variant: PM2,BP4.

OMIM
Classification: Pathogenic for HYPOGONADOTROPIC HYPOGONADISM 19 WITHOUT ANOSMIA. Last evaluated: 2013-05-02. Review status: no assertion criteria provided. Collection method: literature only. Allele origin: germline. Not counted in ClinVar's aggregate classification.

Literature cited by the submitters: PubMed 23643382 (cited by Labcorp Genetics (formerly Invitae), Labcorp and OMIM).